The following is an entry in ClinVar:

ClinVar aggregate classification (germline): Benign/Likely benign. Review status: criteria provided, multiple submitters, no conflicts (2 of 4 stars). 4 submissions from 4 submitters: Benign (1); Likely benign (3). Last evaluated 2024-12-23.

Conditions:
Lynch syndrome 5 (LYNCH5). Also called: Hereditary non-polyposis colorectal cancer, type 5; Colorectal cancer, hereditary nonpolyposis, type 5. Identifiers: Orphanet 144, MedGen C1833477, MONDO:0013710, OMIM 614350. Disease mechanism: loss of function.
Hereditary cancer-predisposing syndrome. Also called: Hereditary Cancer Syndrome; Hereditary neoplastic syndrome; Neoplastic Syndromes, Hereditary; Tumor predisposition. Identifiers: Orphanet 140162, MedGen C0027672, MeSH D009386, MONDO:0015356.
Hereditary nonpolyposis colorectal neoplasms. Identifiers: MedGen C0009405, MeSH D003123.

gnomAD v4.1: 2 of 1,614,152 alleles (0.00012%); highest among the groups gnomAD compares: East Asian, 0.0022%; no homozygotes.

Submissions (4):

Myriad Genetics, Inc.
Classification: Benign for Lynch syndrome 5. Last evaluated: 2024-12-23. Review status: criteria provided, single submitter. Criteria: Myriad Autosomal Dominant, Autosomal Recessive and X-Linked Classification Criteria (2023). Collection method: clinical testing. Allele origin: unknown.
Comment: This variant is considered benign. This variant is a silent/synonymous amino acid change and it is not expected to impact splicing.

Labcorp Genetics (formerly Invitae), Labcorp
Classification: Likely benign for Hereditary nonpolyposis colorectal neoplasms. Last evaluated: 2024-11-20. Review status: criteria provided, single submitter. Criteria: Invitae Variant Classification Sherloc (09022015). Collection method: clinical testing. Allele origin: germline.

Ambry Genetics
Classification: Likely benign for Hereditary cancer-predisposing syndrome. Last evaluated: 2021-06-29. Review status: criteria provided, single submitter. Criteria: Ambry Variant Classification Scheme 2023. Collection method: clinical testing. Allele origin: germline.

GeneDx
Classification: Likely benign. Last evaluated: 2016-04-15. Review status: criteria provided, single submitter. Criteria: GeneDx Variant Classification (06012015). Collection method: clinical testing. Allele origin: germline. Affected: yes.
Comment: This variant is considered likely benign or benign based on one or more of the following criteria: it is a conservative change, it occurs at a poorly conserved position in the protein, it is predicted to be benign by multiple in silico algorithms, and/or has population frequency not consistent with disease.

NM_000179.3(MSH6):c.1074C>T (p.Asp358=)

Gene: MSH6 (mutS homolog 6; plus strand). Cytogenetic location: 2p16.3.
Variant type: single nucleotide variant.
Coding change: c.1074C>T on transcript NM_000179.3 (MANE Select); coding-DNA position 1074, C replaced by T.
Protein change: p.Asp358=; no amino-acid change (aspartic acid 358 retained).
Molecular consequence: synonymous variant.
Genome position (GRCh38, 1-based): chr2:47,799,057, C>T. VCF-style: chr2-47799057-C-T. GRCh37 (hg19) VCF-style: chr2-48026196-C-T.
Other names: c.684C>T, p.Asp228= (NM_001281492.2); c.168C>T, p.Asp56= (NM_001281493.2, NM_001281494.2).
Identifiers: ClinVar variation 385616 (VCV000385616.9), dbSNP rs760311819, ClinGen allele CA16604578.